The following is an entry in ClinVar:

ClinVar aggregate classification (germline): Conflicting classifications of pathogenicity. Review status: criteria provided, conflicting classifications (1 of 4 stars). 4 submissions from 4 submitters: Uncertain significance (1); Likely benign (2). 1 of the submissions does not count toward it. Last evaluated 2025-12-24.

Conditions:
Bardet-Biedl syndrome (BBS). Identifiers: Orphanet 110, MedGen C0752166, MONDO:0015229.
Bardet-Biedl syndrome 15 (BBS15). Identifiers: Orphanet 110, MedGen C3150127, MONDO:0014443, OMIM 615992.
WDPCP-related disorder. Also called: WDPCP-related condition.

Allele frequency attached by ClinVar (database versions not stated): gnomAD 0.00003; TOPMed 0.00003; gnomAD exomes 0.00005 and 0.00007; ExAC 0.00008; ESP Exome Variant Server 0.00008.
gnomAD v4.1: 109 of 1,613,400 alleles (0.0068%); highest among the groups gnomAD compares: Middle Eastern, 0.099%; 1 homozygote.

Submissions (4):

Labcorp Genetics (formerly Invitae), Labcorp
Classification: Likely benign for Bardet-Biedl syndrome. Last evaluated: 2025-12-24. Review status: criteria provided, single submitter. Criteria: Invitae Variant Classification Sherloc (09022015). Collection method: clinical testing. Allele origin: germline.

Blueprint Genetics
Classification: Likely benign. Last evaluated: 2024-06-10. Review status: criteria provided, single submitter. Criteria: ACMG Guidelines, 2015. Collection method: clinical testing. Allele origin: germline.

Illumina Laboratory Services, Illumina
Classification: Uncertain significance for Bardet-Biedl syndrome 15. Last evaluated: 2018-01-13. Review status: criteria provided, single submitter. Criteria: ICSL Variant Classification Criteria 13 December 2019. Collection method: clinical testing. Allele origin: germline.

PreventionGenetics, part of Exact Sciences
Classification: Likely benign for WDPCP-related condition. Last evaluated: 2021-08-04. Review status: no assertion criteria provided. Collection method: clinical testing. Allele origin: germline. Not counted in ClinVar's aggregate classification.
Comment: This variant is classified as likely benign based on ACMG/AMP sequence variant interpretation guidelines (Richards et al. 2015 PMID: 25741868, with internal and published modifications).

NM_015910.7(WDPCP):c.1575C>T (p.Ser525=)

Gene: WDPCP (WD repeat containing planar cell polarity effector; minus strand). Cytogenetic location: 2p15.
Variant type: single nucleotide variant.
Coding change: c.1575C>T on transcript NM_015910.7 (MANE Select); coding-DNA position 1575, C replaced by T.
Protein change: p.Ser525=; no amino-acid change (serine 525 retained).
Molecular consequence: synonymous variant. On other transcripts: non-coding transcript variant (3).
Genome position (GRCh38, 1-based): chr2:63,381,955, G>A on the plus strand (C>T on the coding strand, the complement: WDPCP is on the minus strand). VCF-style: chr2-63381955-G-A. GRCh37 (hg19) VCF-style: chr2-63609090-G-A.
Other names: c.1098C>T, p.Ser366= (NM_001042692.3); c.1503C>T, p.Ser501= (NM_001354044.2); c.1575C>T, p.Ser525= (NM_001354045.2).
Identifiers: ClinVar variation 701228 (VCV000701228.17), dbSNP rs375693256, ClinGen allele CA1682189.